The following is an entry in ClinVar:

NM_001025616.3(ARHGAP24):c.1460T>G (p.Leu487Trp)

Gene: ARHGAP24 (Rho GTPase activating protein 24; plus strand). Cytogenetic location: 4q21.23.
Variant type: single nucleotide variant.
Coding change: c.1460T>G on transcript NM_001025616.3 (MANE Select); coding-DNA position 1460, T replaced by G.
Protein change: p.Leu487Trp; replaces leucine 487 with tryptophan.
Molecular consequence: missense variant.
Genome position (GRCh38, 1-based): chr4:85,995,114, T>G. VCF-style: chr4-85995114-T-G. GRCh37 (hg19) VCF-style: chr4-86916267-T-G.
Other names: c.1175T>G, p.Leu392Trp (NM_001042669.2); c.1205T>G, p.Leu402Trp (NM_001287805.2); c.881T>G, p.Leu294Trp (NM_001346093.2); c.1181T>G, p.Leu394Trp (NM_031305.3); short protein forms L394W, L402W, L487W, L392W, L294W.
Identifiers: ClinVar variation 4722791 (VCV004722791.1).
Genomic context (GRCh38, chr4:85,995,114, plus strand): 5'-TATCTGGTACCAAAATGGGCACGCACAGTGTACAGAATGGAACGGTGCGCATGGGCATTT[T>G]GAACAGCGACACACTCGGGAACCCCACAAATGTTCGAAACATGAGCTGGCTGCCAAATGG-3'
Protein context (NP_001020787.2, residues 477-497): VQNGTVRMGI[Leu487Trp]NSDTLGNPTN

ClinVar aggregate classification (germline): Uncertain significance (1 of 4 stars; one submission).

gnomAD v4.1: 6 of 1,614,038 alleles (0.00037%); highest among the groups gnomAD compares: Non-Finnish European, 0.00017%; no homozygotes.

Submission:

Labcorp Genetics (formerly Invitae), Labcorp
Classification: Uncertain significance. Last evaluated: 2025-07-06. Review status: criteria provided, single submitter. Criteria: Invitae Variant Classification Sherloc (09022015). Collection method: clinical testing. Allele origin: germline.
Comment: This sequence change replaces leucine, which is neutral and non-polar, with tryptophan, which is neutral and slightly polar, at codon 487 of the ARHGAP24 protein (p.Leu487Trp). This variant is not present in population databases (gnomAD no frequency). This variant has not been reported in the literature in individuals affected with ARHGAP24-related conditions. An algorithm developed to predict the effect of missense changes on protein structure and function (PolyPhen-2) suggests that this variant is likely to be disruptive. In summary, the available evidence is currently insufficient to determine the role of this variant in disease. Therefore, it has been classified as a Variant of Uncertain Significance.